The following is an entry in ClinVar:

NM_003673.4(TCAP):c.428T>G (p.Val143Gly)

Gene: TCAP (titin-cap; plus strand). Cytogenetic location: 17q12.
Variant type: single nucleotide variant.
Coding change: c.428T>G on transcript NM_003673.4 (MANE Select); coding-DNA position 428, T replaced by G.
Protein change: p.Val143Gly; replaces valine 143 with glycine.
Molecular consequence: missense variant.
Genome position (GRCh38, 1-based): chr17:39,666,033, T>G. VCF-style: chr17-39666033-T-G. GRCh37 (hg19) VCF-style: chr17-37822286-T-G.
Other names: short protein forms V143G.
Identifiers: ClinVar variation 2113282 (VCV002113282.2), dbSNP rs2145074575, ClinGen allele CA399305851.
Genomic context (GRCh38, chr17:39,666,033, plus strand): 5'-TGGGTGGCCAGTGTGTGGACCGCCAGGAGGTGGCTGAGATCACAAAGCAGCTGCCCCCTG[T>G]GGTGCCTGTCAGCAAGCCCGGTGCACTTCGTCGCTCCCTGTCCCGCTCCATGTCCCAGGA-3'
Protein context (NP_003664.1, residues 133-153): VAEITKQLPP[Val143Gly]VPVSKPGALR

ClinVar aggregate classification (germline): Uncertain significance (1 of 4 stars; one submission).

Conditions:
Hypertrophic cardiomyopathy 25 (CMH25). Also called: CARDIOMYOPATHY, FAMILIAL HYPERTROPHIC, 25. Identifiers: MedGen C4225408, MONDO:0011843, OMIM 607487.
Primary familial hypertrophic cardiomyopathy (HCM). Identifiers: Orphanet 99739, MedGen C0949658, MeSH D024741, MONDO:0024573. Inheritance: Various modes of inheritance.

Submission:

Labcorp Genetics (formerly Invitae), Labcorp
Classification: Uncertain significance for Hypertrophic cardiomyopathy 25; Primary familial hypertrophic cardiomyopathy. Last evaluated: 2022-06-23. Review status: criteria provided, single submitter. Criteria: Invitae Variant Classification Sherloc (09022015). Collection method: clinical testing. Allele origin: germline.
Comment: This sequence change replaces valine, which is neutral and non-polar, with glycine, which is neutral and non-polar, at codon 143 of the TCAP protein (p.Val143Gly). This variant is not present in population databases (gnomAD no frequency). In summary, the available evidence is currently insufficient to determine the role of this variant in disease. Therefore, it has been classified as a Variant of Uncertain Significance. Algorithms developed to predict the effect of missense changes on protein structure and function (SIFT, PolyPhen-2, Align-GVGD) all suggest that this variant is likely to be disruptive. This variant has not been reported in the literature in individuals affected with TCAP-related conditions.